The following is an entry in ClinVar:

NC_000017.11:g.(?_31095304)_(31374161_?)del

Genes: EVI2A (ecotropic viral integration site 2A; minus strand), EVI2B (ecotropic viral integration site 2B; minus strand), MIR4733HG (MIR4733 host gene; minus strand), NF1 (neurofibromin 1; plus strand), OMG (oligodendrocyte myelin glycoprotein; minus strand) and 10 more. Cytogenetic location: 17q11.2.
Variant type: Deletion.
Identifiers: ClinVar variation 832212 (VCV000832212.1).

ClinVar aggregate classification (germline): Pathogenic (1 of 4 stars; one submission).

Conditions:
Neurofibromatosis, type 1 (NF1). Also called: Peripheral type neurofibromatosis; Neurofibromatosis, type I; VON RECKLINGHAUSEN DISEASE; NEUROFIBROMATOSIS, TYPE I, SOMATIC. Identifiers: Orphanet 636, MedGen C0027831, MONDO:0018975, OMIM 162200. Disease mechanism: loss of function.

Submission:

Labcorp Genetics (formerly Invitae), Labcorp
Classification: Pathogenic for Neurofibromatosis, type 1. Last evaluated: 2019-11-06. Review status: criteria provided, single submitter. Criteria: Invitae Variant Classification Sherloc (09022015). Collection method: clinical testing. Allele origin: germline.
Comment: A gross deletion of the genomic region encompassing the full coding sequence of the NF1 gene has been identified. The boundaries of this event are unknown as the deletion extends beyond the assayed region for this gene and therefore may encompass additional genes. Isolated whole-gene deletions of NF1 have not been reported in the literature. However, many larger copy number events that include this gene have been reported (PMID: 8116612, 9643287, 8931693, 25541118, 22837079, 25480383). Loss-of-function variants in NF1 are known to be pathogenic (PMID: 10712197, 23913538). For these reasons, this variant has been classified as Pathogenic.

Literature cited by the submitters: PubMed 9643287; PubMed 25480383; PubMed 8116612; PubMed 25541118; PubMed 22837079; PubMed 8931693.